The following is an entry in ClinVar:

NM_012448.4(STAT5B):c.1360G>A (p.Glu454Lys)

Gene: STAT5B (signal transducer and activator of transcription 5B; minus strand). Cytogenetic location: 17q21.2.
Variant type: single nucleotide variant.
Coding change: c.1360G>A on transcript NM_012448.4 (MANE Select); coding-DNA position 1360, G replaced by A.
Protein change: p.Glu454Lys; replaces glutamic acid 454 with lysine.
Molecular consequence: missense variant.
Genome position (GRCh38, 1-based): chr17:42,217,180, C>T on the plus strand (G>A on the coding strand, the complement: STAT5B is on the minus strand). VCF-style: chr17-42217180-C-T. GRCh37 (hg19) VCF-style: chr17-40369198-C-T.
Other names: short protein forms E454K.
Identifiers: ClinVar variation 3724062 (VCV003724062.2).
Genomic context (GRCh38, chr17:42,217,180, plus strand): 5'-CACACGCACACGCACACGCAGAGCTGAGGGAAGGCTTTACCTTGACTTGAAAAACCAGCT[C>T]ATTTCCACCAACACTGAACTGGGATTCAAACAGGATTGTAAATTTTTCTTCTGTCACCGA-3'
Protein context (NP_036580.2, residues 444-464): FESQFSVGGN[Glu454Lys]LVFQVKTLSL

ClinVar aggregate classification (germline): Uncertain significance (1 of 4 stars; one submission).

Conditions:
Growth hormone insensitivity with immune dysregulation 1, autosomal recessive. Also called: Laron syndrome with immunodeficiency; GROWTH HORMONE INSENSITIVITY SYNDROME WITH IMMUNE DYSREGULATION 1, AUTOSOMAL RECESSIVE; GROWTH HORMONE INSENSITIVITY DUE TO POSTRECEPTOR DEFECT; LARON SYNDROME DUE TO POSTRECEPTOR DEFECT. Identifiers: Orphanet 220465, MedGen C5435698, MONDO:0100211, OMIM 245590.

Submission:

Labcorp Genetics (formerly Invitae), Labcorp
Classification: Uncertain significance for Growth hormone insensitivity with immune dysregulation 1, autosomal recessive. Last evaluated: 2024-12-24. Review status: criteria provided, single submitter. Criteria: Invitae Variant Classification Sherloc (09022015). Collection method: clinical testing. Allele origin: germline.
Comment: This sequence change replaces glutamic acid, which is acidic and polar, with lysine, which is basic and polar, at codon 454 of the STAT5B protein (p.Glu454Lys). This variant is not present in population databases (gnomAD no frequency). This variant has not been reported in the literature in individuals affected with STAT5B-related conditions. An algorithm developed to predict the effect of missense changes on protein structure and function (PolyPhen-2) suggests that this variant is likely to be tolerated. In summary, the available evidence is currently insufficient to determine the role of this variant in disease. Therefore, it has been classified as a Variant of Uncertain Significance.